The following is an entry in ClinVar:

NM_032383.5(HPS3):c.2733del (p.Leu911_Leu912insTer)

Genes: CP (ceruloplasmin; minus strand), HPS3 (HPS3 biogenesis of lysosomal organelles complex 2 subunit 1; plus strand). Cytogenetic location: 3q24.
Variant type: Deletion.
Coding change: c.2733del on transcript NM_032383.5 (MANE Select); coding-DNA position 2733, one base deleted (G; older notation c.2733delG).
Protein change: p.Leu911_Leu912insTer.
Molecular consequence: frameshift variant.
Genome position (GRCh38, 1-based): chr3:149,167,177, G deleted. VCF-style (leftmost placement, unchanged base first): chr3-149167176-TG-T. GRCh37 (hg19) VCF-style: chr3-148884963-TG-T.
Other names: c.2238del, p.Leu746_Leu747insTer (NM_001308258.2); c.2733delG (NM_032383.4).
Identifiers: ClinVar variation 1395878 (VCV001395878.10), dbSNP rs765169755, ClinGen allele CA2660444.

ClinVar aggregate classification (germline): Pathogenic/Likely pathogenic. Review status: criteria provided, multiple submitters, no conflicts (2 of 4 stars). 4 submissions from 4 submitters: Pathogenic (2); Likely pathogenic (2). Last evaluated 2025-06-10.

Conditions:
Hermansky-Pudlak syndrome 3 (HPS3). Identifiers: Orphanet 231512, Orphanet 79430, MedGen C3888001, MONDO:0013555, OMIM 614072.
Hermansky-Pudlak syndrome (HPS). Also called: ALBINISM WITH HEMORRHAGIC DIATHESIS AND PIGMENTED RETICULOENDOTHELIAL CELLS. Identifiers: Orphanet 79430, MedGen C0079504, MONDO:0019312.

Allele frequency attached by ClinVar (database versions not stated): gnomAD 0.00001 and 0.00002; gnomAD exomes 0.00002 and below 0.00001; TOPMed 0.00002; ESP Exome Variant Server 0.00008; ExAC 0.00001.

Submissions (4):

Labcorp Genetics (formerly Invitae), Labcorp
Classification: Pathogenic. Last evaluated: 2025-06-10. Review status: criteria provided, single submitter. Criteria: Invitae Variant Classification Sherloc (09022015). Collection method: clinical testing. Allele origin: germline.
Comment: This sequence change creates a premature translational stop signal (p.Leu912*) in the HPS3 gene. It is expected to result in an absent or disrupted protein product. Loss-of-function variants in HPS3 are known to be pathogenic (PMID: 11590544). This variant is present in population databases (rs765169755, gnomAD 0.0009%). This premature translational stop signal has been observed in individual(s) with Hermansky-Pudlak syndrome (PMID: 31898847). ClinVar contains an entry for this variant (Variation ID: 1395878). Algorithms developed to predict the effect of sequence changes on RNA splicing suggest that this variant may disrupt the consensus splice site. For these reasons, this variant has been classified as Pathogenic.

Natera, Inc.
Classification: Likely pathogenic for Hermansky-Pudlak syndrome. Last evaluated: 2025-04-14. Review status: criteria provided, single submitter. Criteria: Natera Variant Classification Schema (03/2026). Collection method: clinical testing. Allele origin: germline.
Comment: The c.2733delG variant in HPS3 is a frameshift variant predicted to shift the reading frame and introduce a stop codon. This variant is expected to result in nonsense mediated decay, truncation, or a dysfunctional protein product. This variant is rare in the general population with a frequency below the threshold expected for the associated phenotype(s). Given the available evidence, this variant is classified as Likely Pathogenic.

Baylor Genetics
Classification: Pathogenic for Hermansky-Pudlak syndrome 3. Last evaluated: 2024-03-18. Review status: criteria provided, single submitter. Criteria: ACMG Guidelines, 2015. Collection method: clinical testing. Allele origin: unknown.

Fulgent Genetics
Classification: Likely pathogenic for Hermansky-Pudlak syndrome 3. Last evaluated: 2022-04-13. Review status: criteria provided, single submitter. Criteria: ACMG Guidelines, 2015. Collection method: clinical testing. Allele origin: unknown.

Literature cited by the submitters: PubMed 11590544 (cited by Labcorp Genetics (formerly Invitae), Labcorp); PubMed 31898847 (cited by Labcorp Genetics (formerly Invitae), Labcorp).